The following is an entry in ClinVar:

ClinVar aggregate classification (germline): Pathogenic (1 of 4 stars; one submission).

Submission:

GeneDx
Classification: Pathogenic. Last evaluated: 2025-03-06. Review status: criteria provided, single submitter. Criteria: GeneDx Variant Classification Process June 2021. Collection method: clinical testing. Allele origin: germline. Affected: yes.
Comment: Nonsense variant predicted to result in protein truncation or nonsense mediated decay in a gene for which loss of function is a known mechanism of disease; Not observed at significant frequency in large population cohorts (gnomAD); Has not been previously published as pathogenic or benign to our knowledge

NM_181552.4(CUX1):c.3721C>T (p.Gln1241Ter)

Gene: CUX1 (cut like homeobox 1; plus strand). Cytogenetic location: 7q22.1.
Variant type: single nucleotide variant.
Coding change: c.3721C>T on transcript NM_181552.4 (MANE Select); coding-DNA position 3721, C replaced by T.
Protein change: p.Gln1241Ter; replaces glutamine 1241 with a stop codon.
Molecular consequence: nonsense. On other transcripts: intron variant (5).
Genome position (GRCh38, 1-based): chr7:102,239,418, C>T. VCF-style: chr7-102239418-C-T. GRCh37 (hg19) VCF-style: chr7-101882698-C-T.
Other names: c.3754C>T, p.Gln1252Ter (NM_001202543.2); c.1256-33948C>T (NM_001913.5); c.1250-33948C>T (NM_181500.4); c.1118-33948C>T (NM_001202545.3); c.1208-33948C>T (NM_001202544.3); c.1139-33948C>T (NM_001202546.3); short protein forms Q1241*, Q1252*.
Identifiers: ClinVar variation 1809898 (VCV001809898.3), dbSNP rs2486189969, ClinGen allele CA368665249.
Genomic context (GRCh38, chr7:102,239,418, plus strand): 5'-CAGCCCTGCGAACCGCCCTCTGTCGGCACCGAGTACAGCCAGGGCGCCAGCCCCCAGCCC[C>T]AGCACCAGCTGAAGAAACCCCGGGTGGTGCTGGCTCCGGAGGAGAAGGAGGCGCTGAAAC-3'